The following is an entry in ClinVar:

NM_002473.6(MYH9):c.3178C>T (p.Leu1060Phe)

Gene: MYH9 (myosin heavy chain 9; minus strand). Cytogenetic location: 22q12.3.
Variant type: single nucleotide variant.
Coding change: c.3178C>T on transcript NM_002473.6 (MANE Select); coding-DNA position 3178, C replaced by T.
Protein change: p.Leu1060Phe; replaces leucine 1060 with phenylalanine.
Molecular consequence: missense variant.
Genome position (GRCh38, 1-based): chr22:36,296,937, G>A on the plus strand (C>T on the coding strand, the complement: MYH9 is on the minus strand). VCF-style: chr22-36296937-G-A. GRCh37 (hg19) VCF-style: chr22-36692983-G-A.
Other names: p.Leu1060Phe; short protein forms L1060F.
Identifiers: ClinVar variation 4542448 (VCV004542448.1).
Genomic context (GRCh38, chr22:36,296,937, plus strand): 5'-TGGCCAGCTGCATCTTGAGCTCCGCGATCTGGGCCTGGAGCTCGGCGATCTGGTCGCTGA[G>A]GTCTGTGGAGTCTCCCTCCAGCTTCCGGCGGGTCTTCTCCAGCTCCTGTCGCTGCTTCTC-3'
Protein context (NP_002464.1, residues 1050-1070): RRKLEGDSTD[Leu1060Phe]SDQIAELQAQ

ClinVar aggregate classification (germline): Uncertain significance (1 of 4 stars; one submission).

gnomAD v4.1: 1 of 1,614,120 alleles (0.000062%); highest among the groups gnomAD compares: African/African-American, 0.0013%; no homozygotes.

Submission:

Mayo Clinic Laboratories, Mayo Clinic
Classification: Uncertain significance. Last evaluated: 2025-10-24. Review status: criteria provided, single submitter. Criteria: ACMG Guidelines, 2015. Collection method: clinical testing. Allele origin: germline. Observed: 1 variant allele.
Comment: PM2_supporting